The following is an entry in ClinVar:

ClinVar aggregate classification (germline): Likely benign (1 of 4 stars; one submission).

Allele frequency attached by ClinVar (database versions not stated): TOPMed 0.01675; gnomAD 0.01751; 1000 Genomes Project 30x 0.01889; 1000 Genomes Project 0.02057.
gnomAD v4.1: 2,674 of 152,284 alleles (1.8%); highest among the groups gnomAD compares: South Asian, 5.8%; 43 homozygotes.

Submission:

GeneDx
Classification: Likely benign. Last evaluated: 2018-11-12. Review status: criteria provided, single submitter. Criteria: GeneDx Variant Classification Process June 2021. Collection method: clinical testing. Allele origin: germline. Affected: yes.
Comment: See Variant Classification Assertion Criteria.

NM_014359.4(OPTC):c.-41-220G>A

Gene: OPTC (opticin; plus strand). Cytogenetic location: 1q32.1.
Variant type: single nucleotide variant.
Coding change: c.-41-220G>A on transcript NM_014359.4 (MANE Select); 220 bases into the intron before 41 bases upstream of the start codon, G replaced by A.
Molecular consequence: intron variant.
Genome position (GRCh38, 1-based): chr1:203,495,745, G>A. VCF-style: chr1-203495745-G-A. GRCh37 (hg19) VCF-style: chr1-203464873-G-A.
Identifiers: ClinVar variation 1706733 (VCV001706733.2), dbSNP rs34000310, ClinGen allele CA10698136.
Genomic context (GRCh38, chr1:203,495,745, plus strand): 5'-ATGTGTCTGTGTTGAGATGTGTCTGCACATGCCTCTGTGAGTGAATATCAGTGTTTGGGT[G>A]AGCGTGTAAAAACACTCAAGTGGGGCGGTGGAGGGAGGGGGCTGCTAGGAGATACCCCCC-3'